The following is an entry in ClinVar:

NM_001378183.1(PIEZO2):c.6238A>G (p.Met2080Val)

Gene: PIEZO2 (piezo type mechanosensitive ion channel component 2; minus strand). Cytogenetic location: 18p11.22.
Variant type: single nucleotide variant.
Coding change: c.6238A>G on transcript NM_001378183.1 (MANE Select); coding-DNA position 6238, A replaced by G.
Protein change: p.Met2080Val; replaces methionine 2080 with valine.
Molecular consequence: missense variant.
Genome position (GRCh38, 1-based): chr18:10,704,414, T>C on the plus strand (A>G on the coding strand, the complement: PIEZO2 is on the minus strand). VCF-style: chr18-10704414-T-C. GRCh37 (hg19) VCF-style: chr18-10704412-T-C.
Other names: c.5974A>G, p.Met1992Val (NM_001410871.1); c.5899A>G, p.Met1967Val (NM_022068.4); short protein forms M1967V, M1992V, M2080V.
Identifiers: ClinVar variation 2630864 (VCV002630864.1), dbSNP rs2035477284, ClinGen allele CA401909665.

ClinVar aggregate classification (germline): Uncertain significance (1 of 4 stars; one submission).

Conditions:
PIEZO2-related disorder. Also called: PIEZO2-related condition; PIEZO2-related disorders.

gnomAD v4.1: 1 of 1,537,082 alleles (0.000065%); highest among the groups gnomAD compares: Non-Finnish European, 0.000087%; no homozygotes.

Submission:

PreventionGenetics, part of Exact Sciences
Classification: Uncertain significance for PIEZO2-related condition. Last evaluated: 2023-09-01. Review status: criteria provided, single submitter. Criteria: ACMG Guidelines, 2015. Collection method: clinical testing. Allele origin: germline.
Comment: The PIEZO2 c.5899A>G variant is predicted to result in the amino acid substitution p.Met1967Val. To our knowledge, this variant has not been reported in the literature or in a large population database, indicating this variant is rare. At this time, the clinical significance of this variant is uncertain due to the absence of conclusive functional and genetic evidence.